The following is an entry in ClinVar:

NM_001498.4(GCLC):c.1048A>G (p.Ile350Val)

Gene: GCLC (glutamate-cysteine ligase catalytic subunit; minus strand). Cytogenetic location: 6p12.1.
Variant type: single nucleotide variant.
Coding change: c.1048A>G on transcript NM_001498.4 (MANE Select); coding-DNA position 1048, A replaced by G.
Protein change: p.Ile350Val; replaces isoleucine 350 with valine.
Molecular consequence: missense variant.
Genome position (GRCh38, 1-based): chr6:53,507,516, T>C on the plus strand (A>G on the coding strand, the complement: GCLC is on the minus strand). VCF-style: chr6-53507516-T-C. GRCh37 (hg19) VCF-style: chr6-53372314-T-C.
Other names: c.934A>G, p.Ile312Val (NM_001197115.2); short protein forms I350V, I312V.
Identifiers: ClinVar variation 2597128 (VCV002597128.3), dbSNP rs1254947155, ClinGen allele CA364472185.

ClinVar aggregate classification (germline): Uncertain significance. Review status: criteria provided, multiple submitters, no conflicts (2 of 4 stars). 2 submissions from 2 submitters: Uncertain significance (2). Last evaluated 2024-12-11.

Conditions:
Inborn genetic diseases. Identifiers: MedGen C0950123, MeSH D030342.

Allele frequency attached by ClinVar (database versions not stated): gnomAD 0.00001; TOPMed 0.00002; gnomAD exomes 0.00001.
gnomAD v4.1: 18 of 1,610,354 alleles (0.0011%); highest among the groups gnomAD compares: Non-Finnish European, 0.0014%; no homozygotes.

Submissions (2):

ARUP Laboratories, Molecular Genetics and Genomics, ARUP Laboratories
Classification: Uncertain significance. Last evaluated: 2024-12-11. Review status: criteria provided, single submitter. Criteria: ARUP Molecular Germline Variant Investigation Process 2024. Collection method: clinical testing. Allele origin: germline.
Comment: The GCLC c.1048A>G; p.Ile350Val variant (rs1254947155), to our knowledge, is not reported in the medical literature but is reported in ClinVar (Variation ID: 2597128). This variant is only observed on three alleles in the Genome Aggregation Database (v2.1.1), indicating it is not a common polymorphism. Computational analyses predict that this variant is neutral (REVEL: 0.131). Due to limited information, the clinical significance of this variant is uncertain at this time.

Ambry Genetics
Classification: Uncertain significance for Inborn genetic diseases. Last evaluated: 2023-08-14. Review status: criteria provided, single submitter. Criteria: Ambry Variant Classification Scheme 2023. Collection method: clinical testing. Allele origin: germline.